The following is an entry in ClinVar:

NM_003001.5(SDHC):c.76A>G (p.Asn26Asp)

Gene: SDHC (succinate dehydrogenase complex subunit C; plus strand). Cytogenetic location: 1q23.3.
Variant type: single nucleotide variant.
Coding change: c.76A>G on transcript NM_003001.5 (MANE Select); coding-DNA position 76, A replaced by G.
Protein change: p.Asn26Asp; replaces asparagine 26 with aspartic acid.
Molecular consequence: missense variant. On other transcripts: 5 prime UTR variant (2), non-coding transcript variant (1), intron variant (4).
Genome position (GRCh38, 1-based): chr1:161,323,669, A>G. VCF-style: chr1-161323669-A-G. GRCh37 (hg19) VCF-style: chr1-161293459-A-G.
Other names: c.76A>G, p.Asn26Asp (NM_001035511.3, NM_001035512.3, NM_001278172.3 and 2 more transcripts); c.-36A>G (NM_001407119.1); c.-154A>G (NM_001407120.1); c.21-4727A>G (NM_001407116.1, NM_001407121.1, NM_001407117.1); c.20+9244A>G (NM_001035513.3); short protein forms N26D.
Identifiers: ClinVar variation 933779 (VCV000933779.13), dbSNP rs1670928309, ClinGen allele CA343359648.

ClinVar aggregate classification (germline): Uncertain significance. Review status: criteria provided, multiple submitters, no conflicts (2 of 4 stars). 2 submissions from 2 submitters: Uncertain significance (2). Last evaluated 2022-02-22.

Conditions:
Hereditary cancer-predisposing syndrome. Also called: Hereditary neoplastic syndrome; Neoplastic Syndromes, Hereditary; Hereditary Cancer Syndrome; Tumor predisposition. Identifiers: Orphanet 140162, MedGen C0027672, MeSH D009386, MONDO:0015356.
Gastrointestinal stromal tumor. Also called: Gastrointestinal stromal tumor, somatic; Gastrointestinal stroma tumor. Identifiers: Orphanet 44890, MedGen C0238198, MeSH D046152, MONDO:0011719, OMIM 606764, HP:0100723.
Pheochromocytoma/paraganglioma syndrome 3. Also called: GLOMUS TUMORS, FAMILIAL, 3; SDHC-Related Hereditary Paraganglioma-Pheochromocytoma Syndrome; Paragangliomas 3; SDHC-Related Hereditary Paraganglioma-Pheochromocytoma Syndrome (Paragangliomas 3). Identifiers: Orphanet 29072, MedGen C1854336, MONDO:0011544, OMIM 605373.

Submissions (2):

Ambry Genetics
Classification: Uncertain significance for Hereditary cancer-predisposing syndrome. Last evaluated: 2022-02-22. Review status: criteria provided, single submitter. Criteria: Ambry Variant Classification Scheme 2023. Collection method: clinical testing. Allele origin: germline.
Comment: The p.N26D variant (also known as c.76A>G), located in coding exon 2 of the SDHC gene, results from an A to G substitution at nucleotide position 76. The asparagine at codon 26 is replaced by aspartic acid, an amino acid with highly similar properties. This amino acid position is conserved. In addition, the in silico prediction for this alteration is inconclusive. Since supporting evidence is limited at this time, the clinical significance of this alteration remains unclear.

Labcorp Genetics (formerly Invitae), Labcorp
Classification: Uncertain significance for Pheochromocytoma/paraganglioma syndrome 3; Gastrointestinal stromal tumor. Last evaluated: 2019-07-29. Review status: criteria provided, single submitter. Criteria: Invitae Variant Classification Sherloc (09022015). Collection method: clinical testing. Allele origin: germline.
Comment: In summary, the available evidence is currently insufficient to determine the role of this variant in disease. Therefore, it has been classified as a Variant of Uncertain Significance. Algorithms developed to predict the effect of missense changes on protein structure and function (SIFT, PolyPhen-2, Align-GVGD) all suggest that this variant is likely to be tolerated, but these predictions have not been confirmed by published functional studies and their clinical significance is uncertain. This variant has not been reported in the literature in individuals with SDHC-related conditions. This variant is not present in population databases (ExAC no frequency). This sequence change replaces asparagine with aspartic acid at codon 26 of the SDHC protein (p.Asn26Asp). The asparagine residue is moderately conserved and there is a small physicochemical difference between asparagine and aspartic acid.